The following is an entry in ClinVar:

NM_000179.3(MSH6):c.3713C>G (p.Thr1238Ser)

Gene: MSH6 (mutS homolog 6; plus strand). Cytogenetic location: 2p16.3.
Variant type: single nucleotide variant.
Coding change: c.3713C>G on transcript NM_000179.3 (MANE Select); coding-DNA position 3713, C replaced by G.
Protein change: p.Thr1238Ser; replaces threonine 1238 with serine.
Molecular consequence: missense variant.
Genome position (GRCh38, 1-based): chr2:47,806,270, C>G. VCF-style: chr2-47806270-C-G. GRCh37 (hg19) VCF-style: chr2-48033409-C-G.
Other names: c.3323C>G, p.Thr1108Ser (NM_001281492.2); c.2807C>G, p.Thr936Ser (NM_001281493.2, NM_001281494.2); short protein forms T1238S, T936S, T1108S.
Identifiers: ClinVar variation 185296 (VCV000185296.18), dbSNP rs755349360, ClinGen allele CA013959.

ClinVar aggregate classification (germline): Conflicting classifications of pathogenicity. Review status: criteria provided, conflicting classifications (1 of 4 stars). 5 submissions from 5 submitters: Uncertain significance (4); Likely benign (1). Last evaluated 2025-11-09.

Conditions:
Hereditary nonpolyposis colorectal neoplasms. Identifiers: MedGen C0009405, MeSH D003123.
Hereditary cancer-predisposing syndrome. Also called: Hereditary neoplastic syndrome; Neoplastic Syndromes, Hereditary; Tumor predisposition; Hereditary Cancer Syndrome. Identifiers: Orphanet 140162, MedGen C0027672, MeSH D009386, MONDO:0015356.

Allele frequency attached by ClinVar (database versions not stated): gnomAD 0.00001 and 0.00003; gnomAD exomes 0.00001 and 0.00002; ExAC 0.00003; TOPMed 0.00003.
gnomAD v4.1: 16 of 1,613,852 alleles (0.00099%); highest among the groups gnomAD compares: Non-Finnish European, 0.001%; no homozygotes.

Submissions (5):

Labcorp Genetics (formerly Invitae), Labcorp
Classification: Likely benign for Hereditary nonpolyposis colorectal neoplasms. Last evaluated: 2025-11-09. Review status: criteria provided, single submitter. Criteria: Invitae Variant Classification Sherloc (09022015). Collection method: clinical testing. Allele origin: germline.

GeneDx
Classification: Uncertain significance. Last evaluated: 2024-11-13. Review status: criteria provided, single submitter. Criteria: GeneDx Variant Classification Process June 2021. Collection method: clinical testing. Allele origin: germline. Affected: yes.
Comment: In silico analysis indicates that this missense variant does not alter protein structure/function; Has not been previously published as pathogenic or benign to our knowledge; This variant is associated with the following publications: (PMID: 17531815, 21120944)

Ambry Genetics
Classification: Uncertain significance for Hereditary cancer-predisposing syndrome. Last evaluated: 2024-07-24. Review status: criteria provided, single submitter. Criteria: Ambry Variant Classification Scheme 2023. Collection method: clinical testing. Allele origin: germline.
Comment: The p.T1238S variant (also known as c.3713C>G), located in coding exon 8 of the MSH6 gene, results from a C to G substitution at nucleotide position 3713. The threonine at codon 1238 is replaced by serine, an amino acid with similar properties. This amino acid position is poorly conserved in available vertebrate species. In addition, this alteration is predicted to be tolerated by in silico analysis. Since supporting evidence is limited at this time, the clinical significance of this alteration remains unclear.

Color Diagnostics, LLC DBA Color Health
Classification: Uncertain significance for Hereditary cancer-predisposing syndrome. Last evaluated: 2024-07-16. Review status: criteria provided, single submitter. Criteria: ACMG Guidelines, 2015. Collection method: clinical testing. Allele origin: germline.
Comment: This missense variant replaces threonine with serine at codon 1238 of the MSH6 protein. Computational prediction suggests that this variant may not impact protein structure and function. To our knowledge, functional studies have not been reported for this variant. This variant has not been reported in individuals affected with MSH6-related disorders in the literature. This variant has been identified in 7/282612 chromosomes in the general population by the Genome Aggregation Database (gnomAD). The available evidence is insufficient to determine the role of this variant in disease conclusively. Therefore, this variant is classified as a Variant of Uncertain Significance.

Women's Health and Genetics/Laboratory Corporation of America, LabCorp
Classification: Uncertain significance. Last evaluated: 2023-03-10. Review status: criteria provided, single submitter. Criteria: LabCorp Variant Classification Summary - May 2015. Collection method: clinical testing. Allele origin: germline.